The following is an entry in ClinVar:

NM_003280.3(TNNC1):c.141G>A (p.Met47Ile)

Gene: TNNC1 (troponin C1, slow skeletal and cardiac type; minus strand). Cytogenetic location: 3p21.1.
Variant type: single nucleotide variant.
Coding change: c.141G>A on transcript NM_003280.3 (MANE Select); coding-DNA position 141, G replaced by A.
Protein change: p.Met47Ile; replaces methionine 47 with isoleucine.
Molecular consequence: missense variant.
Genome position (GRCh38, 1-based): chr3:52,452,167, C>T on the plus strand (G>A on the coding strand, the complement: TNNC1 is on the minus strand). VCF-style: chr3-52452167-C-T. GRCh37 (hg19) VCF-style: chr3-52486183-C-T.
Other names: short protein forms M47I.
Identifiers: ClinVar variation 2941676 (VCV002941676.3), dbSNP rs886039440, ClinGen allele CA353168720.
Genomic context (GRCh38, chr3:52,452,167, plus strand): 5'-GTCCTCGTCCACCTCATCGATCATCTCCTGCAGCTCCTCAGGGGTGGGGTTCTGGCCCAG[C>T]ATCCTCATCACCTTGCCCAGCTCCTTGGTGCTGATGCAGCCATCCTCAGCGCCCAGCACG-3'
Protein context (NP_003271.1, residues 37-57): STKELGKVMR[Met47Ile]LGQNPTPEEL

ClinVar aggregate classification (germline): Uncertain significance (1 of 4 stars; one submission).

Conditions:
Dilated cardiomyopathy 1Z (CMD1Z). Identifiers: Orphanet 154, MedGen C2678475, MONDO:0012745, OMIM 611879.
Hypertrophic cardiomyopathy 13. Also called: TNNC1-Related Familial Hypertrophic Cardiomyopathy. Identifiers: MedGen C2750472, MONDO:0013195, OMIM 613243.

Submission:

Labcorp Genetics (formerly Invitae), Labcorp
Classification: Uncertain significance for Hypertrophic cardiomyopathy 13; Dilated cardiomyopathy 1Z. Last evaluated: 2022-11-20. Review status: criteria provided, single submitter. Criteria: Invitae Variant Classification Sherloc (09022015). Collection method: clinical testing. Allele origin: germline.
Comment: In summary, the available evidence is currently insufficient to determine the role of this variant in disease. Therefore, it has been classified as a Variant of Uncertain Significance. Algorithms developed to predict the effect of missense changes on protein structure and function are either unavailable or do not agree on the potential impact of this missense change (SIFT: "Tolerated"; PolyPhen-2: "Probably Damaging"; Align-GVGD: "Class C0"). This variant has not been reported in the literature in individuals affected with TNNC1-related conditions. This variant is not present in population databases (gnomAD no frequency). This sequence change replaces methionine, which is neutral and non-polar, with isoleucine, which is neutral and non-polar, at codon 47 of the TNNC1 protein (p.Met47Ile).